The following is an entry in ClinVar:

NM_016203.4(PRKAG2):c.26A>T (p.Lys9Met)

Gene: PRKAG2 (protein kinase AMP-activated non-catalytic subunit gamma 2; minus strand). Cytogenetic location: 7q36.1.
Variant type: single nucleotide variant.
Coding change: c.26A>T on transcript NM_016203.4 (MANE Select); coding-DNA position 26, A replaced by T.
Protein change: p.Lys9Met; replaces lysine 9 with methionine.
Molecular consequence: missense variant.
Genome position (GRCh38, 1-based): chr7:151,876,595, T>A on the plus strand (A>T on the coding strand, the complement: PRKAG2 is on the minus strand). VCF-style: chr7-151876595-T-A. GRCh37 (hg19) VCF-style: chr7-151573680-T-A.
Other names: c.26A>T (NM_016203.3); short protein forms K9M.
Identifiers: ClinVar variation 926789 (VCV000926789.8), dbSNP rs574029693, ClinGen allele CA056620.
Genomic context (GRCh38, chr7:151,876,595, plus strand): 5'-TTCTGGCTGGCATTTTTCTTGCCGCCGCTCCCGCCGGGGCTGGAAACATCTTTTTTCTTC[T>A]TGGTGTCCATAACCGCGCTTCCCATAACTCTAACCAGAAGTTGATTCTGCGAAACTCCTC-3'
Protein context (NP_057287.2, residues 1-19): MGSAVMDT[Lys9Met]KKKDVSSPGG

ClinVar aggregate classification (germline): Uncertain significance. Review status: criteria provided, multiple submitters, no conflicts (2 of 4 stars). 4 submissions from 4 submitters: Uncertain significance (4). Last evaluated 2026-07-21.

Conditions:
Cardiovascular phenotype. Identifiers: MedGen CN230736.
Lethal congenital glycogen storage disease of heart. Also called: GLYCOGEN STORAGE DISEASE OF HEART; PHOSPHORYLASE KINASE DEFICIENCY OF HEART. Identifiers: Orphanet 439854, MedGen C1849813, MONDO:0009867, OMIM 261740.
PRKAG2-related disorder. Also called: PRKAG2-related condition; PRKAG2-related disorders.
Cardiomyopathy (CMYO). Also called: Cardiomyopathies. Identifiers: Orphanet 167848, MedGen C0878544, MONDO:0004994, HP:0001638. Inheritance: Various modes of inheritance.

Allele frequency attached by ClinVar (database versions not stated): TOPMed below 0.00001; ExAC 0.00001; gnomAD 0.00001; 1000 Genomes Project 30x 0.00016; 1000 Genomes Project 0.00020.
gnomAD v4.1: 1 of 1,610,106 alleles (0.000062%); highest among the groups gnomAD compares: East Asian, 0.0022%; no homozygotes.

Submissions (4):

PreventionGenetics, part of Exact Sciences
Classification: Uncertain significance for PRKAG2-related condition. Last evaluated: 2026-07-21. Review status: criteria provided, single submitter. Criteria: ACMG Guidelines, 2015. Collection method: clinical testing. Allele origin: germline.
Comment: The PRKAG2 c.26A>T variant is predicted to result in the amino acid substitution p.Lys9Met. To our knowledge, this variant has not been reported in the literature. This variant is reported in 0.0054% of alleles in individuals of East Asian descent in gnomAD. At this time, the clinical significance of this variant is uncertain due to the absence of conclusive functional and genetic evidence.

Ambry Genetics
Classification: Uncertain significance for Cardiovascular phenotype. Last evaluated: 2025-08-20. Review status: criteria provided, single submitter. Criteria: Ambry Variant Classification Scheme 2023. Collection method: clinical testing. Allele origin: germline.
Comment: The p.K9M variant (also known as c.26A>T), located in coding exon 1 of the PRKAG2 gene, results from an A to T substitution at nucleotide position 26. The lysine at codon 9 is replaced by methionine, an amino acid with similar properties. This amino acid position is highly conserved in available vertebrate species. In addition, this alteration is predicted to be tolerated by in silico analysis. Based on the available evidence, the clinical significance of this variant remains unclear.

Labcorp Genetics (formerly Invitae), Labcorp
Classification: Uncertain significance for Lethal congenital glycogen storage disease of heart. Last evaluated: 2023-04-26. Review status: criteria provided, single submitter. Criteria: Invitae Variant Classification Sherloc (09022015). Collection method: clinical testing. Allele origin: germline.
Comment: In summary, the available evidence is currently insufficient to determine the role of this variant in disease. Therefore, it has been classified as a Variant of Uncertain Significance. Advanced modeling of protein sequence and biophysical properties (such as structural, functional, and spatial information, amino acid conservation, physicochemical variation, residue mobility, and thermodynamic stability) performed at Invitae indicates that this missense variant is not expected to disrupt PRKAG2 protein function. ClinVar contains an entry for this variant (Variation ID: 926789). This variant has not been reported in the literature in individuals affected with PRKAG2-related conditions. This variant is present in population databases (rs574029693, gnomAD 0.006%). This sequence change replaces lysine, which is basic and polar, with methionine, which is neutral and non-polar, at codon 9 of the PRKAG2 protein (p.Lys9Met).

Color Diagnostics, LLC DBA Color Health
Classification: Uncertain significance for Cardiomyopathy. Last evaluated: 2019-12-16. Review status: criteria provided, single submitter. Criteria: ACMG Guidelines, 2015. Collection method: clinical testing. Allele origin: germline.
Comment: This missense variant replaces lysine with methionine at codon 9 of the PRKAG2 protein. Computational prediction tool suggests that this variant may not impact protein structure and function (internally defined REVEL score threshold ≤0.5, PMID: 27666373). Splice site prediction tools suggest that this variant may not impact RNA splicing. To our knowledge, functional studies have not been performed for this variant. This variant has not been reported in individuals affected with cardiovascular disorders in the literature. This variant has been identified in 1/248482 chromosomes in the general population by the Genome Aggregation Database (gnomAD). The available evidence is insufficient to determine the role of this variant in disease conclusively. Therefore, this variant is classified as a Variant of Uncertain Significance.